The following is an entry in ClinVar:

NM_004082.5(DCTN1):c.2213A>G (p.Gln738Arg)

Gene: DCTN1 (dynactin subunit 1; minus strand). Cytogenetic location: 2p13.1.
Variant type: single nucleotide variant.
Coding change: c.2213A>G on transcript NM_004082.5 (MANE Select); coding-DNA position 2213, A replaced by G.
Protein change: p.Gln738Arg; replaces glutamine 738 with arginine.
Molecular consequence: missense variant. On other transcripts: non-coding transcript variant (1).
Genome position (GRCh38, 1-based): chr2:74,367,392, T>C on the plus strand (A>G on the coding strand, the complement: DCTN1 is on the minus strand). VCF-style: chr2-74367392-T-C. GRCh37 (hg19) VCF-style: chr2-74594519-T-C.
Other names: p.Gln738Arg; c.2153A>G, p.Gln718Arg (NM_001135040.3); c.1811A>G, p.Gln604Arg (NM_001135041.3, NM_023019.4); c.2102A>G, p.Gln701Arg (NM_001190836.2); c.2192A>G, p.Gln731Arg (NM_001190837.2); c.2162A>G, p.Gln721Arg (NM_001378991.1); c.2144A>G, p.Gln715Arg (NM_001378992.1); short protein forms Q738R, Q604R, Q701R, Q731R, Q718R, Q715R, Q721R.
Identifiers: ClinVar variation 337083 (VCV000337083.20), dbSNP rs143800457, ClinGen allele CA1721917.

ClinVar aggregate classification (germline): Benign/Likely benign. Review status: criteria provided, multiple submitters, no conflicts (2 of 4 stars). 7 submissions from 6 submitters: Benign (5); Likely benign (1). 1 of the submissions does not count toward it. Last evaluated 2025-12-24.

Conditions:
DCTN1-related disorder. Also called: DCTN1-related condition.
Perry syndrome. Also called: PARKINSONISM WITH ALVEOLAR HYPOVENTILATION AND MENTAL DEPRESSION. Identifiers: Orphanet 178509, MedGen C1868594, MONDO:0008201, OMIM 168605.
Neuronopathy, distal hereditary motor, type 7B. Also called: HMN VIIB; LOWER MOTOR NEURON DISEASE, DYNACTIN TYPE; Distal Hereditary Motor Neuronopathy Type 7B (dHMN7B); NEURONOPATHY, DISTAL HEREDITARY MOTOR, AUTOSOMAL DOMINANT 14; NEURONOPATHY, DISTAL HEREDITARY MOTOR, HARDING TYPE VIIB; NEUROPATHY, DISTAL HEREDITARY MOTOR, HARDING TYPE VIIB. Identifiers: Orphanet 139589, MedGen C1843315, MONDO:0011879, OMIM 607641.
Inborn genetic diseases. Identifiers: MedGen C0950123, MeSH D030342.
Amyotrophic lateral sclerosis type 1 (ALS1). Also called: AMYOTROPHIC LATERAL SCLEROSIS 1, FAMILIAL. Identifiers: Orphanet 803, MedGen C1862939, MONDO:0007103, OMIM 105400.

Allele frequency attached by ClinVar (database versions not stated): gnomAD 0.00010 and 0.00019; gnomAD exomes 0.00020 and 0.00049; TOPMed 0.00024; ExAC 0.00046; 1000 Genomes Project 30x 0.00109; 1000 Genomes Project 0.00140.
gnomAD v4.1: 321 of 1,614,176 alleles (0.02%); highest among the groups gnomAD compares: East Asian, 0.7%; no homozygotes.

Submissions (7):

Labcorp Genetics (formerly Invitae), Labcorp
Classification: Benign for Amyotrophic lateral sclerosis type 1; Neuronopathy, distal hereditary motor, type 7B; Perry syndrome. Last evaluated: 2025-12-24. Review status: criteria provided, single submitter. Criteria: Invitae Variant Classification Sherloc (09022015). Collection method: clinical testing. Allele origin: germline.

Mayo Clinic Laboratories, Mayo Clinic
Classification: Benign. Last evaluated: 2024-12-26. Review status: criteria provided, single submitter. Criteria: ACMG Guidelines, 2015. Collection method: clinical testing. Allele origin: germline. Observed: 2 variant alleles.
Comment: BS1, BS2, BP5

Blueprint Genetics
Classification: Likely benign. Last evaluated: 2024-05-03. Review status: criteria provided, single submitter. Criteria: ACMG Guidelines, 2015. Collection method: clinical testing. Allele origin: germline.

Ambry Genetics
Classification: Benign for Inborn genetic diseases. Last evaluated: 2022-07-14. Review status: criteria provided, single submitter. Criteria: Ambry Variant Classification Scheme 2023. Collection method: clinical testing. Allele origin: germline.

Illumina Laboratory Services, Illumina
Classification: Benign for Perry syndrome. Last evaluated: 2018-01-13. Review status: criteria provided, single submitter. Criteria: ICSL Variant Classification Criteria 13 December 2019. Collection method: clinical testing. Allele origin: germline.
Comment: This variant was observed in the ICSL laboratory as part of a predisposition screen in an ostensibly healthy population. It had not been previously curated by ICSL or reported in the Human Gene Mutation Database (HGMD: prior to June 1st, 2018), and was therefore a candidate for classification through an automated scoring system. Utilizing variant allele frequency, disease prevalence and penetrance estimates, and inheritance mode, an automated score was calculated to assess if this variant is too frequent to cause the disease. Based on the score and internal cut-off values, a variant classified as benign is not then subjected to further curation. The score for this variant resulted in a classification of benign for this disease.

Illumina Laboratory Services, Illumina
Classification: Benign for Neuronopathy, distal hereditary motor, type 7B. Last evaluated: 2018-01-13. Review status: criteria provided, single submitter. Criteria: ICSL Variant Classification Criteria 13 December 2019. Collection method: clinical testing. Allele origin: germline.
Comment: the same text as in the submission from Illumina Laboratory Services, Illumina above.

PreventionGenetics, part of Exact Sciences
Classification: Benign for DCTN1-related condition. Last evaluated: 2024-04-09. Review status: no assertion criteria provided. Collection method: clinical testing. Allele origin: germline. Not counted in ClinVar's aggregate classification.
Comment: This variant is classified as benign based on ACMG/AMP sequence variant interpretation guidelines (Richards et al. 2015 PMID: 25741868, with internal and published modifications).